The following is an entry in ClinVar:

NM_004973.4(JARID2):c.1552G>C (p.Asp518His)

Gene: JARID2 (jumonji and AT-rich interaction domain containing 2; plus strand). Cytogenetic location: 6p22.3.
Variant type: single nucleotide variant.
Coding change: c.1552G>C on transcript NM_004973.4 (MANE Select); coding-DNA position 1552, G replaced by C.
Protein change: p.Asp518His; replaces aspartic acid 518 with histidine.
Molecular consequence: missense variant.
Genome position (GRCh38, 1-based): chr6:15,496,777, G>C. VCF-style: chr6-15496777-G-C. GRCh37 (hg19) VCF-style: chr6-15497008-G-C.
Other names: c.1036G>C, p.Asp346His (NM_001267040.1); short protein forms D346H, D518H.
Identifiers: ClinVar variation 4086368 (VCV004086368.1).

ClinVar aggregate classification (germline): Uncertain significance (1 of 4 stars; one submission).

Submission:

GeneDx
Classification: Uncertain significance. Last evaluated: 2025-03-18. Review status: criteria provided, single submitter. Criteria: GeneDx Variant Classification Process June 2021. Collection method: clinical testing. Allele origin: germline. Affected: yes.
Comment: Not observed at significant frequency in large population cohorts (gnomAD); In silico analysis indicates that this missense variant does not alter protein structure/function; Has not been previously published as pathogenic or benign to our knowledge